The following is an entry in ClinVar:

ClinVar aggregate classification (germline): Likely pathogenic. Review status: criteria provided, multiple submitters, no conflicts (2 of 4 stars). 2 submissions from 2 submitters: Likely pathogenic (2). Last evaluated 2024-09-20.

Conditions:
Arginase deficiency. Also called: ARGININEMIA; ARG1 DEFICIENCY; Arginase 1 Deficiency. Identifiers: Orphanet 90, MedGen C0268548, MONDO:0008814, OMIM 207800.

Allele frequency attached by ClinVar (database versions not stated): ExAC 0.00002; gnomAD 0.00001; TOPMed below 0.00001.
gnomAD v4.1: 1 of 1,611,664 alleles (0.000062%); highest among the groups gnomAD compares: African/African-American, 0.0013%; no homozygotes.

Submissions (2):

Labcorp Genetics (formerly Invitae), Labcorp
Classification: Likely pathogenic for Arginase deficiency. Last evaluated: 2024-09-20. Review status: criteria provided, single submitter. Criteria: Invitae Variant Classification Sherloc (09022015). Collection method: clinical testing. Allele origin: germline.
Comment: This sequence change affects a donor splice site in intron 4 of the ARG1 gene. It is expected to disrupt RNA splicing. Variants that disrupt the donor or acceptor splice site typically lead to a loss of protein function (PMID: 16199547), and loss-of-function variants in ARG1 are known to be pathogenic (PMID: 7649538, 12052859). This variant is present in population databases (rs758905397, gnomAD 0.01%). This variant has not been reported in the literature in individuals affected with ARG1-related conditions. Algorithms developed to predict the effect of sequence changes on RNA splicing suggest that this variant may disrupt the consensus splice site. In summary, the currently available evidence indicates that the variant is pathogenic, but additional data are needed to prove that conclusively. Therefore, this variant has been classified as Likely Pathogenic.

Baylor Genetics
Classification: Likely pathogenic for Arginase deficiency. Last evaluated: 2022-04-07. Review status: criteria provided, single submitter. Criteria: ACMG Guidelines, 2015. Collection method: clinical testing. Allele origin: unknown.

Literature cited by the submitters: PubMed 16199547 (cited by Labcorp Genetics (formerly Invitae), Labcorp); PubMed 7649538 (cited by Labcorp Genetics (formerly Invitae), Labcorp); PubMed 12052859 (cited by Labcorp Genetics (formerly Invitae), Labcorp).

NM_000045.4(ARG1):c.465+1G>A

Genes: ARG1 (arginase 1; plus strand), MED23 (mediator complex subunit 23; minus strand). Cytogenetic location: 6q23.2.
Variant type: single nucleotide variant.
Coding change: c.465+1G>A on transcript NM_000045.4 (MANE Select); the canonical splice donor site of the intron after coding-DNA position 465, G replaced by A.
Molecular consequence: splice donor variant. On other transcripts: intron variant (3).
Genome position (GRCh38, 1-based): chr6:131,581,379, G>A. VCF-style: chr6-131581379-G-A. GRCh37 (hg19) VCF-style: chr6-131902519-G-A.
Other names: c.489+1G>A (NM_001244438.2); c.306-1681G>A (NM_001369020.1); c.4077+6330C>T (NM_001270521.2); c.4095+6330C>T (NM_015979.4).
Identifiers: ClinVar variation 2678314 (VCV002678314.3), dbSNP rs758905397, ClinGen allele CA3999261.
Genomic context (GRCh38, chr6:131,581,379, plus strand): 5'-ACAAGTGGAAACTTGCATGGACAACCTGTATCTTTCCTCCTGAAGGAACTAAAAGGAAAG[G>A]TAAAAGACTGGTTGGTACTCTAGTGCAATAGAATACTTTTTAGTAGACATTCAGGAGGTG-3'